The following is an entry in ClinVar:

NM_020822.3(KCNT1):c.2727C>A (p.Phe909Leu)

Gene: KCNT1 (potassium sodium-activated channel subfamily T member 1; plus strand). Cytogenetic location: 9q34.3.
Variant type: single nucleotide variant.
Coding change: c.2727C>A on transcript NM_020822.3 (MANE Select); coding-DNA position 2727, C replaced by A.
Protein change: p.Phe909Leu; replaces phenylalanine 909 with leucine.
Molecular consequence: missense variant.
Genome position (GRCh38, 1-based): chr9:135,778,820, C>A. VCF-style: chr9-135778820-C-A. GRCh37 (hg19) VCF-style: chr9-138670666-C-A.
Other names: c.2592C>A, p.Phe864Leu (NM_001272003.2); c.2727C>A (NM_020822.2); short protein forms F864L, F909L.
Identifiers: ClinVar variation 2944326 (VCV002944326.4), dbSNP rs2491038635, ClinGen allele CA375515373.

ClinVar aggregate classification (germline): Uncertain significance. Review status: criteria provided, multiple submitters, no conflicts (2 of 4 stars). 2 submissions from 2 submitters: Uncertain significance (2). Last evaluated 2023-06-23.

Conditions:
Autosomal dominant nocturnal frontal lobe epilepsy 5. Also called: Epilepsy, nocturnal frontal lobe, 5; CILIARY DYSKINESIA, PRIMARY, 28, WITHOUT SITUS INVERSUS; CILIARY DYSKINESIA, PRIMARY, 28, WITH SITUS INVERSUS; KCNT1-Related Epilepsy. Identifiers: Orphanet 98784, MedGen C3554306, MONDO:0014002, OMIM 615005.
Developmental and epileptic encephalopathy, 14 (DEE14). Also called: Early infantile epileptic encephalopathy 14. Identifiers: Orphanet 293181, MedGen C3554195, MONDO:0013989, OMIM 614959.

Submissions (2):

GeneDx
Classification: Uncertain significance. Last evaluated: 2023-06-23. Review status: criteria provided, single submitter. Criteria: GeneDx Variant Classification Process June 2021. Collection method: clinical testing. Allele origin: germline. Affected: yes.
Comment: Not observed at significant frequency in large population cohorts (gnomAD); In silico analysis supports that this missense variant has a deleterious effect on protein structure/function; Has not been previously published as pathogenic or benign to our knowledge; This variant is associated with the following publications: (PMID: 31618474)

Labcorp Genetics (formerly Invitae), Labcorp
Classification: Uncertain significance for Autosomal dominant nocturnal frontal lobe epilepsy 5; Developmental and epileptic encephalopathy, 14. Last evaluated: 2023-02-15. Review status: criteria provided, single submitter. Criteria: Invitae Variant Classification Sherloc (09022015). Collection method: clinical testing. Allele origin: germline.
Comment: In summary, the available evidence is currently insufficient to determine the role of this variant in disease. Therefore, it has been classified as a Variant of Uncertain Significance. Advanced modeling of protein sequence and biophysical properties (such as structural, functional, and spatial information, amino acid conservation, physicochemical variation, residue mobility, and thermodynamic stability) performed at Invitae indicates that this missense variant is expected to disrupt KCNT1 protein function. This missense change has been observed in individual(s) with epilepsy of infancy with migrating focal seizures (PMID: 31618474). This variant is not present in population databases (gnomAD no frequency). This sequence change replaces phenylalanine, which is neutral and non-polar, with leucine, which is neutral and non-polar, at codon 909 of the KCNT1 protein (p.Phe909Leu).

Literature cited by the submitters: PubMed 31618474 (cited by Labcorp Genetics (formerly Invitae), Labcorp).